The following is an entry in ClinVar:

ClinVar aggregate classification (germline): Uncertain significance. Review status: criteria provided, multiple submitters, no conflicts (2 of 4 stars). 2 submissions from 2 submitters: Uncertain significance (2). Last evaluated 2025-08-24.

Conditions:
Familial adenomatous polyposis 2. Also called: FAP type 2; MUTYH-associated polyposis; MUTYH-related attenuated familial adenomatous polyposis; MUTYH Polyposis; Adenomas, multiple colorectal; COLORECTAL ADENOMATOUS POLYPOSIS, AUTOSOMAL RECESSIVE. Identifiers: Orphanet 220460, Orphanet 247798, MedGen C3272841, MONDO:0012041, OMIM 608456.

Submissions (2):

Labcorp Genetics (formerly Invitae), Labcorp
Classification: Uncertain significance for Familial adenomatous polyposis 2. Last evaluated: 2025-08-24. Review status: criteria provided, single submitter. Criteria: Invitae Variant Classification Sherloc (09022015). Collection method: clinical testing. Allele origin: germline.
Comment: This variant occurs in a non-coding region of the MUTYH gene. It does not change the encoded amino acid sequence of the MUTYH protein. This variant is not present in population databases (gnomAD no frequency). This variant has not been reported in the literature in individuals affected with MUTYH-related conditions. Experimental studies and prediction algorithms are not available or were not evaluated, and the functional significance of this variant is currently unknown. In summary, the available evidence is currently insufficient to determine the role of this variant in disease. Therefore, it has been classified as a Variant of Uncertain Significance.

All of Us Research Program, National Institutes of Health
Classification: Uncertain significance for Familial adenomatous polyposis 2. Last evaluated: 2023-06-26. Review status: criteria provided, single submitter. Criteria: ACMG Guidelines, 2015. Collection method: clinical testing. Allele origin: germline. Inheritance: Autosomal recessive inheritance. Observed: 1 variant allele, 1 heterozygote.
Comment: This variant causes the deletion of three nucleotides in the 5' untranslated region of the MUTYH gene. To our knowledge, functional studies have not been reported for this variant. This variant has not been reported in individuals affected with MUTYH-related disorders in the literature. This variant has not been identified in the general population by the Genome Aggregation Database (gnomAD). The available evidence is insufficient to determine the role of this variant in disease conclusively. Therefore, this variant is classified as a Variant of Uncertain Significance.

This study involves interpretation of variants in research participants for the purpose of population health screening. Participant phenotype was not available at the time of variant classification. Additional details can be found in publication PMID: 35346344, PMCID: PMC8962531

NM_001128425.2(MUTYH):c.-7GGC[1]

Genes: MUTYH (mutY DNA glycosylase; minus strand), TOE1 (target of EGR1, exonuclease; plus strand). Cytogenetic location: 1p34.1.
Variant type: Microsatellite.
Coding change: c.-7GGC[1] on transcript NM_001128425.2 (MANE Plus Clinical); one copy of the 3-base unit GGC starting at c.-7; the reference has two copies in a row; one copy, 3 bases deleted.
Molecular consequence: 5 prime UTR variant. On other transcripts: inframe deletion (1), non-coding transcript variant (3).
Genome position (GRCh38, 1-based): chr1:45,340,256-45,340,258, GCC deleted on the plus strand (GGC on the coding strand, the reverse complement: MUTYH is on the minus strand); deleting any 3 consecutive bases within chr1:45,340,256-45,340,262 gives the same sequence; the position shown is the placement nearest the transcript's 3' end. VCF-style (leftmost placement, unchanged base first): chr1-45340255-GGCC-G. GRCh37 (hg19) VCF-style: chr1-45805927-GGCC-G.
Other names: c.5CCG[1], p.Ala3del (NM_025077.4); c.-49GGC[1] (NM_001048171.2); c.-7GGC[1] (NM_001293190.2, NM_001407069.1, NM_001407073.1 and 1 more transcripts); c.-261GGC[1] (NM_001293192.2); c.-320GGC[1] (NM_001350650.2); c.-256GGC[1] (NM_001350651.2); c.-65GGC[1] (NM_001407070.1, NM_001407071.1); c.-45GGC[1] (NM_001407072.1); short protein forms A3del.
Identifiers: ClinVar variation 3071971 (VCV003071971.1), dbSNP rs2524701921, ClinGen allele CA2825000971.
Genomic context (GRCh38, chr1:45,340,255, plus strand): 5'-AGACGGACCGCAAGTCCAGCGTACCCACAGACGACTCAGGCGGGAGACGAGCGGTGTCAT[GGCC>G]GCCGACAGTGACGATGGCGCAGTTTCAGCTCCCGCAGCTTCCGACGGTGAGCGGCTTCCC-3'